The following is an entry in ClinVar:

NM_005515.4(MNX1):c.1106C>G (p.Pro369Arg)

Gene: MNX1 (motor neuron and pancreas homeobox 1; minus strand). Cytogenetic location: 7q36.3.
Variant type: single nucleotide variant.
Coding change: c.1106C>G on transcript NM_005515.4 (MANE Select); coding-DNA position 1106, C replaced by G.
Protein change: p.Pro369Arg; replaces proline 369 with arginine.
Molecular consequence: missense variant.
Genome position (GRCh38, 1-based): chr7:157,005,620, G>C on the plus strand (C>G on the coding strand, the complement: MNX1 is on the minus strand). VCF-style: chr7-157005620-G-C. GRCh37 (hg19) VCF-style: chr7-156798314-G-C.
Other names: c.470C>G, p.Pro157Arg (NM_001165255.2); short protein forms P157R, P369R.
Identifiers: ClinVar variation 4731836 (VCV004731836.1).

ClinVar aggregate classification (germline): Uncertain significance (1 of 4 stars; one submission).

Submission:

Labcorp Genetics (formerly Invitae), Labcorp
Classification: Uncertain significance. Last evaluated: 2025-11-24. Review status: criteria provided, single submitter. Criteria: Invitae Variant Classification Sherloc (09022015). Collection method: clinical testing. Allele origin: germline.
Comment: This sequence change replaces proline, which is neutral and non-polar, with arginine, which is basic and polar, at codon 369 of the MNX1 protein (p.Pro369Arg). This variant is not present in population databases (gnomAD no frequency). This variant has not been reported in the literature in individuals affected with MNX1-related conditions. An algorithm developed to predict the effect of missense changes on protein structure and function (PolyPhen-2) suggests that this variant is likely to be disruptive. In summary, the available evidence is currently insufficient to determine the role of this variant in disease. Therefore, it has been classified as a Variant of Uncertain Significance.